The following is an entry in ClinVar:

ClinVar aggregate classification (germline): Uncertain significance (1 of 4 stars; one submission).

Submission:

Labcorp Genetics (formerly Invitae), Labcorp
Classification: Uncertain significance. Last evaluated: 2025-03-07. Review status: criteria provided, single submitter. Criteria: Invitae Variant Classification Sherloc (09022015). Collection method: clinical testing. Allele origin: germline.
Comment: This sequence change replaces alanine, which is neutral and non-polar, with threonine, which is neutral and polar, at codon 357 of the SIPA1L3 protein (p.Ala357Thr). This variant is not present in population databases (gnomAD no frequency). This variant has not been reported in the literature in individuals affected with SIPA1L3-related conditions. An algorithm developed to predict the effect of missense changes on protein structure and function (PolyPhen-2) suggests that this variant is likely to be tolerated. In summary, the available evidence is currently insufficient to determine the role of this variant in disease. Therefore, it has been classified as a Variant of Uncertain Significance.

NM_015073.3(SIPA1L3):c.1069G>A (p.Ala357Thr)

Gene: SIPA1L3 (signal induced proliferation associated 1 like 3; plus strand). Cytogenetic location: 19q13.13.
Variant type: single nucleotide variant.
Coding change: c.1069G>A on transcript NM_015073.3 (MANE Select); coding-DNA position 1069, G replaced by A.
Protein change: p.Ala357Thr; replaces alanine 357 with threonine.
Molecular consequence: missense variant.
Genome position (GRCh38, 1-based): chr19:38,082,634, G>A. VCF-style: chr19-38082634-G-A. GRCh37 (hg19) VCF-style: chr19-38573274-G-A.
Other names: short protein forms A357T.
Identifiers: ClinVar variation 3669056 (VCV003669056.2).
Genomic context (GRCh38, chr19:38,082,634, plus strand): 5'-CAGAAGAGCTTCGCCCACTTCGACGTGCAGAGCATGCTGTTCGACCTCAACGAGGCGGCC[G>A]CCAACAGGGTGTCGGTGTCGCAGCGGCGGAACACCACCACGGGTGCTTCGGCCGCTTCCG-3'
Protein context (NP_055888.1, residues 347-367): SMLFDLNEAA[Ala357Thr]NRVSVSQRRN